The following is an entry in ClinVar:

NM_201548.5(CERKL):c.1287G>A (p.Met429Ile)

Gene: CERKL (CERK like autophagy regulator; minus strand). Cytogenetic location: 2q31.3.
Variant type: single nucleotide variant.
Coding change: c.1287G>A on transcript NM_201548.5 (MANE Select); coding-DNA position 1287, G replaced by A.
Protein change: p.Met429Ile; replaces methionine 429 with isoleucine.
Molecular consequence: missense variant. On other transcripts: non-coding transcript variant (2).
Genome position (GRCh38, 1-based): chr2:181,544,778, C>T on the plus strand (G>A on the coding strand, the complement: CERKL is on the minus strand). VCF-style: chr2-181544778-C-T. GRCh37 (hg19) VCF-style: chr2-182409505-C-T.
Other names: c.1365G>A, p.Met455Ile (NM_001030311.3); c.948G>A, p.Met316Ile (NM_001030312.3); c.1080G>A, p.Met360Ile (NM_001030313.3); c.1233G>A, p.Met411Ile (NM_001160277.2); short protein forms M316I, M360I, M411I, M429I, M455I.
Identifiers: ClinVar variation 1696157 (VCV001696157.4), dbSNP rs766319295, ClinGen allele CA2010470.

ClinVar aggregate classification (germline): Uncertain significance. Review status: criteria provided, multiple submitters, no conflicts (2 of 4 stars). 3 submissions from 3 submitters: Uncertain significance (3). Last evaluated 2022-05-03.

Allele frequency attached by ClinVar (database versions not stated): gnomAD exomes below 0.00001 and 0.00001; ExAC 0.00001; gnomAD 0.00001.
gnomAD v4.1: 9 of 1,599,558 alleles (0.00056%); highest among the groups gnomAD compares: South Asian, 0.01%; no homozygotes.

Submissions (3):

Women's Health and Genetics/Laboratory Corporation of America, LabCorp
Classification: Uncertain significance. Last evaluated: 2022-05-03. Review status: criteria provided, single submitter. Criteria: LabCorp Variant Classification Summary - May 2015. Collection method: clinical testing. Allele origin: germline.

Labcorp Genetics (formerly Invitae), Labcorp
Classification: Uncertain significance. Last evaluated: 2022-03-13. Review status: criteria provided, single submitter. Criteria: Invitae Variant Classification Sherloc (09022015). Collection method: clinical testing. Allele origin: germline.
Comment: This sequence change replaces methionine, which is neutral and non-polar, with isoleucine, which is neutral and non-polar, at codon 455 of the CERKL protein (p.Met455Ile). The frequency data for this variant in the population databases is considered unreliable, as metrics indicate poor data quality at this position in the gnomAD database. This variant has not been reported in the literature in individuals affected with CERKL-related conditions. Algorithms developed to predict the effect of missense changes on protein structure and function (SIFT, PolyPhen-2, Align-GVGD) all suggest that this variant is likely to be tolerated. In summary, the available evidence is currently insufficient to determine the role of this variant in disease. Therefore, it has been classified as a Variant of Uncertain Significance.

Blueprint Genetics
Classification: Uncertain significance. Last evaluated: 2020-10-19. Review status: criteria provided, single submitter. Criteria: ACMG Guidelines, 2015. Collection method: clinical testing. Allele origin: germline.